The following is an entry in ClinVar:

NM_001356.5(DDX3X):c.1648A>G (p.Ile550Val)

Gene: DDX3X (DEAD-box helicase 3 X-linked; plus strand). Cytogenetic location: Xp11.4.
Variant type: single nucleotide variant.
Coding change: c.1648A>G on transcript NM_001356.5 (MANE Select); coding-DNA position 1648, A replaced by G.
Protein change: p.Ile550Val; replaces isoleucine 550 with valine.
Molecular consequence: missense variant. On other transcripts: non-coding transcript variant (1).
Genome position (GRCh38, 1-based): chrX:41,346,891, A>G. VCF-style: chrX-41346891-A-G. GRCh37 (hg19) VCF-style: chrX-41206144-A-G.
Other names: c.1648A>G, p.Ile550Val (NM_001193416.3); c.1600A>G, p.Ile534Val (NM_001193417.3); c.1090A>G, p.Ile364Val (NM_001363819.1); short protein forms I534V, I550V, I364V.
Identifiers: ClinVar variation 1926620 (VCV001926620.5), dbSNP rs1232247926, ClinGen allele CA412777412.

ClinVar aggregate classification (germline): Uncertain significance (1 of 4 stars; one submission).

Allele frequency attached by ClinVar (database versions not stated): gnomAD exomes 0.00002; TOPMed below 0.00001; gnomAD 0.00001.

Submission:

Labcorp Genetics (formerly Invitae), Labcorp
Classification: Uncertain significance. Last evaluated: 2022-02-19. Review status: criteria provided, single submitter. Criteria: Invitae Variant Classification Sherloc (09022015). Collection method: clinical testing. Allele origin: germline.
Comment: Algorithms developed to predict the effect of missense changes on protein structure and function output the following: SIFT: "Tolerated"; PolyPhen-2: "Not Available"; Align-GVGD: "Class C0". The valine amino acid residue is found in multiple mammalian species, which suggests that this missense change does not adversely affect protein function. In summary, the available evidence is currently insufficient to determine the role of this variant in disease. Therefore, it has been classified as a Variant of Uncertain Significance. This variant has not been reported in the literature in individuals affected with DDX3X-related conditions. This variant is present in population databases (no rsID available, gnomAD 0.001%), including at least one homozygous and/or hemizygous individual. This sequence change replaces isoleucine, which is neutral and non-polar, with valine, which is neutral and non-polar, at codon 550 of the DDX3X protein (p.Ile550Val).